The following is an entry in ClinVar:

ClinVar aggregate classification (germline): Uncertain significance (1 of 4 stars; one submission).

Conditions:
Hereditary cancer-predisposing syndrome. Also called: Neoplastic Syndromes, Hereditary; Tumor predisposition; Hereditary Cancer Syndrome; Hereditary neoplastic syndrome. Identifiers: Orphanet 140162, MedGen C0027672, MeSH D009386, MONDO:0015356.

Submission:

Color Diagnostics, LLC DBA Color Health
Classification: Uncertain significance for Hereditary cancer-predisposing syndrome. Last evaluated: 2024-06-12. Review status: criteria provided, single submitter. Criteria: ACMG Guidelines, 2015. Collection method: clinical testing. Allele origin: germline.
Comment: This missense variant replaces threonine with serine at codon 2243 of the APC protein. Computational prediction suggests that this variant may not impact protein structure and function (internally defined REVEL score threshold <= 0.5, PMID: 27666373). To our knowledge, functional studies have not been reported for this variant. This variant has not been reported in individuals affected with APC-related disorders in the literature. This variant has not been identified in the general population by the Genome Aggregation Database (gnomAD). The available evidence is insufficient to determine the role of this variant in disease conclusively. Therefore, this variant is classified as a Variant of Uncertain Significance.

NM_000038.6(APC):c.6727A>T (p.Thr2243Ser)

Gene: APC (APC regulator of Wnt signaling pathway; plus strand). Cytogenetic location: 5q22.2.
Variant type: single nucleotide variant.
Coding change: c.6727A>T on transcript NM_000038.6 (MANE Select); coding-DNA position 6727, A replaced by T.
Protein change: p.Thr2243Ser; replaces threonine 2243 with serine.
Molecular consequence: missense variant. On other transcripts: non-coding transcript variant (2).
Genome position (GRCh38, 1-based): chr5:112,842,321, A>T. VCF-style: chr5-112842321-A-T. GRCh37 (hg19) VCF-style: chr5-112178018-A-T.
Other names: c.6727A>T, p.Thr2243Ser (NM_001127510.3, NM_001354895.2, NM_001407450.1); c.6673A>T, p.Thr2225Ser (NM_001127511.3); c.6781A>T, p.Thr2261Ser (NM_001354896.2, NM_001407447.1, NM_001407448.1 and 1 more transcripts); c.6757A>T, p.Thr2253Ser (NM_001354897.2); c.6652A>T, p.Thr2218Ser (NM_001354898.2); c.6643A>T, p.Thr2215Ser (NM_001354899.2); c.6604A>T, p.Thr2202Ser (NM_001354900.2); c.6550A>T, p.Thr2184Ser (NM_001354901.2, NM_001407453.1); and 11 more; short protein forms T1859S, T1960S, T2083S, T2114S, T2117S, T2142S, T2152S, T2160S.
Identifiers: ClinVar variation 3893972 (VCV003893972.1).